The following is an entry in ClinVar:

NM_004006.3(DMD):c.5274A>C (p.Ser1758=)

Gene: DMD (dystrophin; minus strand). Cytogenetic location: Xp21.1.
Variant type: single nucleotide variant.
Coding change: c.5274A>C on transcript NM_004006.3 (MANE Select); coding-DNA position 5274, A replaced by C.
Protein change: p.Ser1758=; no amino-acid change (serine 1758 retained).
Molecular consequence: synonymous variant.
Genome position (GRCh38, 1-based): chrX:32,362,839, T>G on the plus strand (A>C on the coding strand, the complement: DMD is on the minus strand). VCF-style: chrX-32362839-T-G. GRCh37 (hg19) VCF-style: chrX-32380956-T-G.
Other names: c.5250A>C, p.Ser1750= (NM_000109.4); c.5262A>C, p.Ser1754= (NM_004009.3); c.4905A>C, p.Ser1635= (NM_004010.3); c.1251A>C, p.Ser417= (NM_004011.4); c.1242A>C, p.Ser414= (NM_004012.4).
Identifiers: ClinVar variation 2673222 (VCV002673222.23), dbSNP rs1424475382, ClinGen allele CA515714612.
Genomic context (GRCh38, chrX:32,362,839, plus strand): 5'-TCTTCCTACCTTTCCAGTCTTAATTCTGTGTGAAATGGCTGCAAATCGATGGTTGAGCTC[T>G]GAGATTTGGGGCTCTACTAATTTCCTGCAGTGGTCACCGCGGTTTGCCATCAAGTTTGCT-3'
Protein context (NP_003997.2, residues 1748-1768): HCRKLVEPQI[Ser1758=]ELNHRFAAIS

ClinVar aggregate classification (germline): Likely benign (1 of 4 stars; one submission).

Submission:

CeGaT Center for Human Genetics Tuebingen
Classification: Likely benign. Last evaluated: 2023-11-01. Review status: criteria provided, single submitter. Criteria: CeGaT Center For Human Genetics Tuebingen Variant Classification Criteria Version 2. Collection method: clinical testing. Allele origin: germline. Affected: yes. Observed: 1 variant allele.
Comment: DMD: PM2:Supporting, BP4, BP7